The following is an entry in ClinVar:

ClinVar aggregate classification (germline): Uncertain significance. Review status: criteria provided, multiple submitters, no conflicts (2 of 4 stars). 2 submissions from 2 submitters: Uncertain significance (2). Last evaluated 2025-02-05.

Conditions:
Hypertrophic cardiomyopathy 1 (CMH1). Also called: Familial hypertrophic cardiomyopathy 1; MYH7-Related Familial Hypertrophic Cardiomyopathy. Identifiers: MedGen C3495498, MONDO:0008647, OMIM 192600.

Allele frequency attached by ClinVar (database versions not stated): gnomAD 0.00002; gnomAD exomes 0.00003 and 0.00005; ExAC 0.00008.

Submissions (2):

Labcorp Genetics (formerly Invitae), Labcorp
Classification: Uncertain significance for Hypertrophic cardiomyopathy 1. Last evaluated: 2025-02-05. Review status: criteria provided, single submitter. Criteria: Invitae Variant Classification Sherloc (09022015). Collection method: clinical testing. Allele origin: germline.
Comment: This sequence change replaces proline, which is neutral and non-polar, with leucine, which is neutral and non-polar, at codon 76 of the MYLK2 protein (p.Pro76Leu). This variant is present in population databases (rs775335331, gnomAD 0.04%). This variant has not been reported in the literature in individuals affected with MYLK2-related conditions. ClinVar contains an entry for this variant (Variation ID: 1412618). Invitae Evidence Modeling of protein sequence and biophysical properties (such as structural, functional, and spatial information, amino acid conservation, physicochemical variation, residue mobility, and thermodynamic stability) indicates that this missense variant is not expected to disrupt MYLK2 protein function with a negative predictive value of 80%. In summary, the available evidence is currently insufficient to determine the role of this variant in disease. Therefore, it has been classified as a Variant of Uncertain Significance.

Ambry Genetics
Classification: Uncertain significance. Last evaluated: 2024-04-12. Review status: criteria provided, single submitter. Criteria: Ambry Variant Classification Scheme 2023. Collection method: clinical testing. Allele origin: germline.
Comment: The p.P76L variant (also known as c.227C>T), located in coding exon 2 of the MYLK2 gene, results from a C to T substitution at nucleotide position 227. The proline at codon 76 is replaced by leucine, an amino acid with similar properties. This amino acid position is conserved. In addition, this alteration is predicted to be tolerated by in silico analysis. Based on the available evidence, the clinical significance of this variant remains unclear.

NM_033118.4(MYLK2):c.227C>T (p.Pro76Leu)

Gene: MYLK2 (myosin light chain kinase 2; plus strand). Cytogenetic location: 20q11.21.
Variant type: single nucleotide variant.
Coding change: c.227C>T on transcript NM_033118.4 (MANE Select); coding-DNA position 227, C replaced by T.
Protein change: p.Pro76Leu; replaces proline 76 with leucine.
Molecular consequence: missense variant.
Genome position (GRCh38, 1-based): chr20:31,820,300, C>T. VCF-style: chr20-31820300-C-T. GRCh37 (hg19) VCF-style: chr20-30408103-C-T.
Other names: c.227C>T (NM_033118.3); short protein forms P76L.
Identifiers: ClinVar variation 1412618 (VCV001412618.7), dbSNP rs775335331, ClinGen allele CA9802865.